The following is an entry in ClinVar:

ClinVar aggregate classification (germline): Likely benign (0 of 4 stars; one submission).

Conditions:
KRT6A-related disorder. Also called: KRT6A-related condition.

Allele frequency attached by ClinVar (database versions not stated): gnomAD exomes 0.00003; ExAC 0.00009; 1000 Genomes Project 30x 0.00031; ESP Exome Variant Server 0.00031; TOPMed 0.00031; gnomAD 0.00032; 1000 Genomes Project 0.00040.
gnomAD v4.1: 91 of 1,609,754 alleles (0.0057%); highest among the groups gnomAD compares: African/African-American, 0.11%; no homozygotes.

Submission:

PreventionGenetics, part of Exact Sciences
Classification: Likely benign for KRT6A-related condition. Last evaluated: 2020-02-11. Review status: no assertion criteria provided. Collection method: clinical testing. Allele origin: germline.
Comment: This variant is classified as likely benign based on ACMG/AMP sequence variant interpretation guidelines (Richards et al. 2015 PMID: 25741868, with internal and published modifications).

NM_005554.4(KRT6A):c.334C>T (p.Leu112=)

Gene: KRT6A (keratin 6A; minus strand). Cytogenetic location: 12q13.13.
Variant type: single nucleotide variant.
Coding change: c.334C>T on transcript NM_005554.4 (MANE Select); coding-DNA position 334, C replaced by T.
Protein change: p.Leu112=; no amino-acid change (leucine 112 retained).
Molecular consequence: synonymous variant.
Genome position (GRCh38, 1-based): chr12:52,492,855, G>A on the plus strand (C>T on the coding strand, the complement: KRT6A is on the minus strand). VCF-style: chr12-52492855-G-A. GRCh37 (hg19) VCF-style: chr12-52886639-G-A.
Identifiers: ClinVar variation 3051754 (VCV003051754.2), dbSNP rs374275838, ClinGen allele CA6582297.